The following is an entry in ClinVar:

ClinVar aggregate classification (germline): Uncertain significance (1 of 4 stars; one submission).

Submission:

Labcorp Genetics (formerly Invitae), Labcorp
Classification: Uncertain significance. Last evaluated: 2023-12-07. Review status: criteria provided, single submitter. Criteria: Invitae Variant Classification Sherloc (09022015). Collection method: clinical testing. Allele origin: germline.
Comment: This variant results in a copy number gain of the genomic region encompassing exon(s) 1-3 of the CREB3L3 gene. This region includes the initiator codon of the gene. This copy number gain extends beyond the assayed region for this gene and therefore may encompass additional genes. As the precise location of this event is unknown, it may be in tandem or it may be located elsewhere in the genome. This variant has not been reported in the literature in individuals affected with CREB3L3-related conditions. In summary, the available evidence is currently insufficient to determine the role of this variant in disease. Therefore, it has been classified as a Variant of Uncertain Significance.

NC_000019.9:g.(?_4153745)_(4157312_?)dup

Gene: CREB3L3 (cAMP responsive element binding protein 3 like 3; plus strand). Cytogenetic location: 19p13.3.
Variant type: Duplication.
Identifiers: ClinVar variation 1447165 (VCV001447165.5).